The following is an entry in ClinVar:

NM_000138.5(FBN1):c.5767T>C (p.Ser1923Pro)

Gene: FBN1 (fibrillin 1; minus strand). Cytogenetic location: 15q21.1.
Variant type: single nucleotide variant.
Coding change: c.5767T>C on transcript NM_000138.5 (MANE Select); coding-DNA position 5767, T replaced by C.
Protein change: p.Ser1923Pro; replaces serine 1923 with proline.
Molecular consequence: missense variant.
Genome position (GRCh38, 1-based): chr15:48,446,727, A>G on the plus strand (T>C on the coding strand, the complement: FBN1 is on the minus strand). VCF-style: chr15-48446727-A-G. GRCh37 (hg19) VCF-style: chr15-48738924-A-G.
Other names: p.S1923P:TCT>CCT; short protein forms S1923P.
Identifiers: ClinVar variation 200068 (VCV000200068.3), dbSNP rs794728239, ClinGen allele CA016036.
Genomic context (GRCh38, chr15:48,446,727, plus strand): 5'-ACTGACTTCCTTTGCTGATGCACAATTTTGCACACGCACCTATACAGTCATTGTTGTGAG[A>G]AAGGATGAAACCATGATTGCAGCGGCAGTTGAAGGAACCAATTGTGTTCCGGCAAGTTCC-3'
Protein context (NP_000129.3, residues 1913-1933): NCRCNHGFIL[Ser1923Pro]HNNDCIDVDE

ClinVar aggregate classification (germline): Conflicting classifications of pathogenicity. Review status: criteria provided, conflicting classifications (1 of 4 stars). 2 submissions from 2 submitters: Likely pathogenic (1); Uncertain significance (1). Last evaluated 2025-09-25.

Conditions:
Familial thoracic aortic aneurysm and aortic dissection (TAAD). Also called: Thoracic aortic aneurysms and dissections. Identifiers: Orphanet 91387, MedGen C4707243, MONDO:0019625.

Submissions (2):

Ambry Genetics
Classification: Uncertain significance for Familial thoracic aortic aneurysm and aortic dissection. Last evaluated: 2025-09-25. Review status: criteria provided, single submitter. Criteria: Ambry Variant Classification Scheme 2023. Collection method: clinical testing. Allele origin: germline.
Comment: The p.S1923P variant (also known as c.5767T>C), located in coding exon 46 of the FBN1 gene, results from a T to C substitution at nucleotide position 5767. The serine at codon 1923 is replaced by proline, an amino acid with similar properties. This amino acid position is highly conserved in available vertebrate species. In addition, this alteration is predicted to be deleterious by in silico analysis. Based on the available evidence, the clinical significance of this variant remains unclear.

GeneDx
Classification: Likely pathogenic. Last evaluated: 2014-05-04. Review status: criteria provided, single submitter. Criteria: GeneDx Variant Classification (06012015). Collection method: clinical testing. Allele origin: germline. Affected: yes.
Comment: p.Ser1923Pro (TCT>CCT): c.5767 T>C in exon 47 of the FBN1 gene (NM_000138.4)S1923P variant that is likely pathogenic was identified in the FBN1 gene. It has not been published as a mutation, nor has it been reported as a benign polymorphism to our knowledge. The S1923P variant was not observed in approximately 6,500 individuals of European and African American ancestry in the NHLBI Exome Sequencing Project, indicating it is not a common benign variant in these populations. The S1923P variant is a non-conservative amino acid substitution, which is likely to impact secondary protein structure as these residues differ in polarity, charge, size and/or other properties. This substitution occurs at a position that is conserved across species. In silico analysis predicts this variant is probably damaging to the protein structure/function. Furthermore, missense mutations in nearby residues (G1919D, G1919V, N1926D, C1928R, C1928G, C1928S, C1928Y) have been reported in association with Marfan syndrome, supporting the functional importance of this region of the protein.Therefore, this variant is a strong candidate for a pathogenic mutation, however the possibility that it is a benign variant cannot be excluded. The variant is found in TAAD panel(s).